The following is an entry in ClinVar:

ClinVar aggregate classification (germline): Pathogenic/Likely pathogenic. Review status: criteria provided, multiple submitters, no conflicts (2 of 4 stars). 2 submissions from 2 submitters: Pathogenic (1); Likely pathogenic (1). Last evaluated 2024-04-02.

Conditions:
Ullrich congenital muscular dystrophy 1A. Also called: Ullrich congenital muscular dystrophy 1; Intermediate COL6-RD. Identifiers: Orphanet 75840, MedGen C0410179, MONDO:0009681, OMIM 254090.

Submissions (2):

GeneDx
Classification: Pathogenic. Last evaluated: 2024-04-02. Review status: criteria provided, single submitter. Criteria: GeneDx Variant Classification Process June 2021. Collection method: clinical testing. Allele origin: germline. Affected: yes.
Comment: Reported previously in the heterozygous state, without a second variant, in two individuals with Ullrich congenital muscular dystrophy (PMID: 24271325, 25211533); Published functional studies demonstrate a damaging effect and show that this variant results in intracellular retention and reduced secretion of collagen VI in fibroblasts and muscle (PMID: 24271325, 20976770); RNA studies demonstrate a damaging effect and show that this variant causes skipping of exon 18, leading to an in-frame deletion of 9 amino acids (PMID: 20976770); In silico analysis supports a deleterious effect on splicing; Truncating variants in this gene are considered pathogenic by a well-established clinical consortium and/or database; Not observed at significant frequency in large population cohorts (gnomAD); This variant is associated with the following publications: (PMID: 24271325, 20976770, 33441455, 25211533)

3billion
Classification: Likely pathogenic for Ullrich congenital muscular dystrophy 1A. Last evaluated: 2022-01-03. Review status: criteria provided, single submitter. Criteria: ACMG Guidelines, 2015. Collection method: clinical testing. Allele origin: germline. Affected: yes. Observed: 1 heterozygote.
Comment: The variantskipped exon 18, leading to inframe deletion (PMID 20976770).And It also has been reported as de novo in a similarly affected individual (PMID:20976770, PS2_S). The variant has been reported to be associated with COL6A3 related disorder (ClinVar ID: VCV000449325). It is not observed in the gnomAD v2.1.1 dataset (PM2_M). Therefore, this variant is classified as likely pathogenic according to the recommendation of ACMG/AMP guideline.

Literature cited by the submitters: PubMed 20976770 (cited by 3billion).

NM_004369.4(COL6A3):c.6309+3A>G

Genes: COL6A3 (collagen type VI alpha 3 chain; minus strand), LOC122889011 (Sharpr-MPRA regulatory region 1020; plus strand). Cytogenetic location: 2q37.3.
Variant type: single nucleotide variant.
Coding change: c.6309+3A>G on transcript NM_004369.4 (MANE Select); 3 bases into the intron after coding-DNA position 6309, A replaced by G.
Molecular consequence: intron variant.
Genome position (GRCh38, 1-based): chr2:237,359,359, T>C on the plus strand (A>G on the coding strand, the complement: COL6A3 is on the minus strand). VCF-style: chr2-237359359-T-C. GRCh37 (hg19) VCF-style: chr2-238268002-T-C.
Other names: c.4488+3A>G (NM_057166.5); c.5691+3A>G (NM_057167.4).
Identifiers: ClinVar variation 449325 (VCV000449325.4), dbSNP rs1553553327, ClinGen allele CA658657258.